The following is an entry in ClinVar:

NM_001134363.3(RBM20):c.1409A>G (p.Tyr470Cys)

Gene: RBM20 (RNA binding motif protein 20; plus strand). Cytogenetic location: 10q25.2.
Variant type: single nucleotide variant.
Coding change: c.1409A>G on transcript NM_001134363.3 (MANE Select); coding-DNA position 1409, A replaced by G.
Protein change: p.Tyr470Cys; replaces tyrosine 470 with cysteine.
Molecular consequence: missense variant.
Genome position (GRCh38, 1-based): chr10:110,784,412, A>G. VCF-style: chr10-110784412-A-G. GRCh37 (hg19) VCF-style: chr10-112544170-A-G.
Other names: short protein forms Y470C.
Identifiers: ClinVar variation 2710038 (VCV002710038.6), dbSNP rs1844394763, ClinGen allele CA378388038.

ClinVar aggregate classification (germline): Uncertain significance. Review status: criteria provided, multiple submitters, no conflicts (2 of 4 stars). 3 submissions from 3 submitters: Uncertain significance (3). Last evaluated 2025-11-25.

Conditions:
Cardiovascular phenotype. Identifiers: MedGen CN230736.
Dilated cardiomyopathy 1DD (CMD1DD). Identifiers: Orphanet 154, MedGen C2750995, MONDO:0013168, OMIM 613172.

Allele frequency attached by ClinVar (database versions not stated): gnomAD exomes below 0.00001; TOPMed below 0.00001.
gnomAD v4.1: 2 of 1,551,294 alleles (0.00013%); highest among the groups gnomAD compares: Non-Finnish European, 0.000087%; no homozygotes.

Submissions (3):

Ambry Genetics
Classification: Uncertain significance for Cardiovascular phenotype. Last evaluated: 2025-11-25. Review status: criteria provided, single submitter. Criteria: Ambry Variant Classification Scheme 2023. Collection method: clinical testing. Allele origin: germline.
Comment: The p.Y470C variant (also known as c.1409A>G), located in coding exon 4 of the RBM20 gene, results from an A to G substitution at nucleotide position 1409. The tyrosine at codon 470 is replaced by cysteine, an amino acid with highly dissimilar properties. This amino acid position is conserved. In addition, this alteration is predicted to be tolerated by in silico analysis. Based on the available evidence, the clinical significance of this variant remains unclear.

GeneDx
Classification: Uncertain significance. Last evaluated: 2025-02-13. Review status: criteria provided, single submitter. Criteria: GeneDx Variant Classification Process June 2021. Collection method: clinical testing. Allele origin: germline. Affected: yes.
Comment: Not observed at significant frequency in large population cohorts (gnomAD); In silico analysis supports that this missense variant has a deleterious effect on protein structure/function; Has not been previously published as pathogenic or benign to our knowledge

Labcorp Genetics (formerly Invitae), Labcorp
Classification: Uncertain significance for Dilated cardiomyopathy 1DD. Last evaluated: 2024-10-09. Review status: criteria provided, single submitter. Criteria: Invitae Variant Classification Sherloc (09022015). Collection method: clinical testing. Allele origin: germline.
Comment: This sequence change replaces tyrosine, which is neutral and polar, with cysteine, which is neutral and slightly polar, at codon 470 of the RBM20 protein (p.Tyr470Cys). This variant is not present in population databases (gnomAD no frequency). This variant has not been reported in the literature in individuals affected with RBM20-related conditions. Invitae Evidence Modeling of protein sequence and biophysical properties (such as structural, functional, and spatial information, amino acid conservation, physicochemical variation, residue mobility, and thermodynamic stability) indicates that this missense variant is not expected to disrupt RBM20 protein function with a negative predictive value of 95%. In summary, the available evidence is currently insufficient to determine the role of this variant in disease. Therefore, it has been classified as a Variant of Uncertain Significance.